The following is an entry in ClinVar:

ClinVar aggregate classification (germline): Pathogenic/Likely pathogenic. Review status: criteria provided, multiple submitters, no conflicts (2 of 4 stars). 12 submissions from 12 submitters: Pathogenic (9); Likely pathogenic (1). 2 of the submissions do not count toward it. Last evaluated 2025-02-25.

Conditions:
Hereditary cancer-predisposing syndrome. Also called: Hereditary Cancer Syndrome; Neoplastic Syndromes, Hereditary; Hereditary neoplastic syndrome; Tumor predisposition. Identifiers: Orphanet 140162, MedGen C0027672, MeSH D009386, MONDO:0015356.
Hereditary nonpolyposis colorectal neoplasms. Identifiers: MedGen C0009405, MeSH D003123.
Lynch-like syndrome.
Hereditary nonpolyposis colon cancer (HNPCC). Also called: Hereditary Nonpolyposis Colorectal Cancer Syndrome; Hereditary nonpolyposis colorectal cancer; Familial nonpolyposis colon cancer. Identifiers: Orphanet 443909, MedGen C1333990, MONDO:0018630. Disease mechanism: loss of function.
Lynch syndrome 5 (LYNCH5). Also called: Hereditary non-polyposis colorectal cancer, type 5; Colorectal cancer, hereditary nonpolyposis, type 5. Identifiers: Orphanet 144, MedGen C1833477, MONDO:0013710, OMIM 614350. Disease mechanism: loss of function.
Endometrial carcinoma. Also called: Endometrial carcinoma, somatic. Identifiers: MedGen C0476089, MONDO:0002447, OMIM 608089, HP:0012114.

Allele frequency attached by ClinVar (database versions not stated): gnomAD exomes below 0.00001.

Submissions (12):

Labcorp Genetics (formerly Invitae), Labcorp
Classification: Pathogenic for Hereditary nonpolyposis colorectal neoplasms. Last evaluated: 2025-02-25. Review status: criteria provided, single submitter. Criteria: Invitae Variant Classification Sherloc (09022015). Collection method: clinical testing. Allele origin: germline.
Comment: This sequence change creates a premature translational stop signal (p.Pro591Glnfs*19) in the MSH6 gene. It is expected to result in an absent or disrupted protein product. Loss-of-function variants in MSH6 are known to be pathogenic (PMID: 18269114, 24362816). This variant is not present in population databases (gnomAD no frequency). This premature translational stop signal has been observed in individual(s) with Lynch syndrome (PMID: 27064304). ClinVar contains an entry for this variant (Variation ID: 428393). For these reasons, this variant has been classified as Pathogenic.

GeneDx
Classification: Pathogenic. Last evaluated: 2024-06-05. Review status: criteria provided, single submitter. Criteria: GeneDx Variant Classification Process June 2021. Collection method: clinical testing. Allele origin: germline. Affected: yes.
Comment: Frameshift variant predicted to result in protein truncation or nonsense mediated decay in a gene for which loss of function is a known mechanism of disease; Not observed at significant frequency in large population cohorts (gnomAD); Truncating variants in this gene are considered pathogenic by a well-established clinical consortium and/or database; This variant is associated with the following publications: (PMID: 27064304)

Myriad Genetics, Inc.
Classification: Pathogenic for Lynch syndrome 5. Last evaluated: 2023-08-15. Review status: criteria provided, single submitter. Criteria: Myriad Autosomal Dominant, Autosomal Recessive and X-Linked Classification Criteria (2023). Collection method: clinical testing. Allele origin: unknown.
Comment: This variant is considered pathogenic. This variant creates a frameshift predicted to result in premature protein truncation.

Baylor Genetics
Classification: Pathogenic for Endometrial carcinoma. Last evaluated: 2022-12-05. Review status: criteria provided, single submitter. Criteria: ACMG Guidelines, 2015. Collection method: clinical testing. Allele origin: unknown.

Women's Health and Genetics/Laboratory Corporation of America, LabCorp
Classification: Pathogenic for Hereditary nonpolyposis colon cancer. Last evaluated: 2022-10-21. Review status: criteria provided, single submitter. Criteria: LabCorp Variant Classification Summary - May 2015. Collection method: clinical testing. Allele origin: germline.
Comment: Variant summary: MSH6 c.1767delT (p.Pro591GlnfsX19) results in a premature termination codon, predicted to cause a truncation of the encoded protein or absence of the protein due to nonsense mediated decay, which are commonly known mechanisms for disease. Truncations downstream of this position have been classified as pathogenic by our laboratory. The variant was absent in 250300 control chromosomes. c.1767delT has been reported in the literature in individuals affected with Lynch Syndrome and Uterine corpus endometrial carcinoma (Sjursen_2016, Lu_2015). These data indicate that the variant is likely associated with disease. To our knowledge, no experimental evidence demonstrating an impact on protein function has been reported. Six clinical diagnostic laboratories have submitted clinical-significance assessments for this variant to ClinVar after 2014 without evidence for independent evaluation. All laboratories classified the variant as pathogenic/likely pathogenic. Based on the evidence outlined above, the variant was classified as pathogenic.

Ambry Genetics
Classification: Pathogenic for Hereditary cancer-predisposing syndrome. Last evaluated: 2022-06-17. Review status: criteria provided, single submitter. Criteria: Ambry Variant Classification Scheme 2023. Collection method: clinical testing. Allele origin: germline.
Comment: The c.1767delT pathogenic mutation, located in coding exon 4 of the MSH6 gene, results from a deletion of one nucleotide at nucleotide position 1767, causing a translational frameshift with a predicted alternate stop codon (p.P591Qfs*19). This alteration is expected to result in loss of function by premature protein truncation or nonsense-mediated mRNA decay. As such, this alteration is interpreted as a disease-causing mutation.

Institute of Medical Genetics and Applied Genomics, University Hospital Tübingen
Classification: Pathogenic. Last evaluated: 2021-09-15. Review status: criteria provided, single submitter. Criteria: ACMG Guidelines, 2015. Collection method: clinical testing. Allele origin: germline. Inheritance: Autosomal dominant inheritance. Affected: yes.

Color Diagnostics, LLC DBA Color Health
Classification: Pathogenic for Hereditary cancer-predisposing syndrome. Last evaluated: 2021-08-30. Review status: criteria provided, single submitter. Criteria: ACMG Guidelines, 2015. Collection method: clinical testing. Allele origin: germline.
Comment: This variant deletes 1 nucleotide in exon 4 of the MSH6 gene, creating a frameshift and premature translation stop signal. This variant is expected to result in an absent or non-functional protein product. This variant has been observed in an individual affected with Lynch syndrome (PMID: 27064304). This variant has not been identified in the general population by the Genome Aggregation Database (gnomAD). Loss of MSH6 function is a known mechanism of disease. Based on the available evidence, this variant is classified as Pathogenic.

MGZ Medical Genetics Center
Classification: Likely pathogenic for Lynch syndrome 5. Last evaluated: 2021-07-02. Review status: criteria provided, single submitter. Criteria: ACMG Guidelines, 2015. Collection method: clinical testing. Allele origin: germline. Affected: yes. Observed: 1 variant allele.
Comment: ACMG criteria applied: PVS1, PM2_SUP

Quest Diagnostics Nichols Institute San Juan Capistrano
Classification: Pathogenic. Last evaluated: 2019-10-04. Review status: criteria provided, single submitter. Criteria: Quest Diagnostics criteria. Collection method: clinical testing. Allele origin: unknown.
Comment: The variant results in a shift of the reading frame, and is therefore predicted to result in the loss of a functional protein. Found in at least one patient with expected phenotype for this gene, and not found in general population data.

Constitutional Genetics Lab, Leon Berard Cancer Center
Classification: Pathogenic for Lynch-like syndrome. Last evaluated: 2019-07-01. Review status: no assertion criteria provided. Collection method: clinical testing. Allele origin: somatic. Affected: yes. Not counted in ClinVar's aggregate classification.

Department of Pathology and Laboratory Medicine, Sinai Health System
Classification: Pathogenic for Endometrial carcinoma. Review status: no assertion criteria provided. Collection method: clinical testing. Allele origin: unknown. Affected: yes. Study: The Canadian Open Genetics Repository (COGR). Not counted in ClinVar's aggregate classification.
Comment: The MSH6 p.Pro591Glnfs*19 variant was identified in 1 of 1668 proband chromosomes (frequency: 0.001) from individuals or families with Lynch syndrome (Sjursen 2016). The variant was also identified in dbSNP (ID: rs1114167765) as "With Pathogenic allele" and ClinVar (classified as pathogenic by Invitae and Ambry Genetics). The variant was not identified in the UMD-LSDB database. The variant was not identified in the following control databases: the Exome Aggregation Consortium (August 8th 2016) or the Genome Aggregation Database (Feb 27, 2017). The c.1767del variant is predicted to cause a frameshift, which alters the protein's amino acid sequence beginning at codon 591 and leads to a premature stop codon at position 609. This alteration is then predicted to result in a truncated or absent protein and loss of function. Loss of function variants of the MSH6 gene are an established mechanism of disease in Lynch syndrome and is the type of variant expected to cause the disorder. In summary, based on the above information, this variant meets our laboratoryâ€šÃ„Ã´s criteria to be classified as pathogenic.

Literature cited by the submitters: PubMed 18269114 (cited by Labcorp Genetics (formerly Invitae), Labcorp); PubMed 24362816 (cited by Labcorp Genetics (formerly Invitae), Labcorp); PubMed 27064304 (cited by 5 submitters); PubMed 26689913 (cited by Women's Health and Genetics/Laboratory Corporation of America, LabCorp).

NM_000179.3(MSH6):c.1767del (p.Pro591fs)

Gene: MSH6 (mutS homolog 6; plus strand). Cytogenetic location: 2p16.3.
Variant type: Deletion.
Coding change: c.1767del on transcript NM_000179.3 (MANE Select); coding-DNA position 1767, one base deleted (T; older notation c.1767delT).
Protein change: p.Pro591fs; shifts the reading frame from proline 591.
Molecular consequence: frameshift variant.
Genome position (GRCh38, 1-based): chr2:47,799,750, T deleted. VCF-style (leftmost placement, unchanged base first): chr2-47799749-AT-A. GRCh37 (hg19) VCF-style: chr2-48026888-AT-A.
Other names: c.1377del, p.Pro461fs (NM_001281492.2); c.861del, p.Pro289fs (NM_001281493.2, NM_001281494.2); c.1767delT (NM_000179.2); short protein forms P591fs, P461fs, P289fs.
Identifiers: ClinVar variation 428393 (VCV000428393.30), dbSNP rs1114167765, ClinGen allele CA645369235.